The following is an entry in ClinVar:

NM_006231.4(POLE):c.2759C>G (p.Thr920Ser)

Gene: POLE (DNA polymerase epsilon, catalytic subunit; minus strand). Cytogenetic location: 12q24.33.
Variant type: single nucleotide variant.
Coding change: c.2759C>G on transcript NM_006231.4 (MANE Select); coding-DNA position 2759, C replaced by G.
Protein change: p.Thr920Ser; replaces threonine 920 with serine.
Molecular consequence: missense variant.
Genome position (GRCh38, 1-based): chr12:132,661,632, G>C on the plus strand (C>G on the coding strand, the complement: POLE is on the minus strand). VCF-style: chr12-132661632-G-C. GRCh37 (hg19) VCF-style: chr12-133238218-G-C.
Other names: c.2759C>G (NM_006231.2); short protein forms T920S.
Identifiers: ClinVar variation 660220 (VCV000660220.9), dbSNP rs899872545, ClinGen allele CA246317421.

ClinVar aggregate classification (germline): Conflicting classifications of pathogenicity. Review status: criteria provided, conflicting classifications (1 of 4 stars). 2 submissions from 2 submitters: Uncertain significance (1); Likely benign (1). Last evaluated 2025-08-15.

Conditions:
Hereditary cancer-predisposing syndrome. Also called: Hereditary neoplastic syndrome; Neoplastic Syndromes, Hereditary; Hereditary Cancer Syndrome; Tumor predisposition. Identifiers: Orphanet 140162, MedGen C0027672, MeSH D009386, MONDO:0015356.

Allele frequency attached by ClinVar (database versions not stated): gnomAD exomes below 0.00001.
gnomAD v4.1: 5 of 1,614,206 alleles (0.00031%); highest among the groups gnomAD compares: Non-Finnish European, 0.00042%; no homozygotes.

Submissions (2):

Ambry Genetics
Classification: Likely benign for Hereditary cancer-predisposing syndrome. Last evaluated: 2025-08-15. Review status: criteria provided, single submitter. Criteria: Ambry Variant Classification Scheme 2023. Collection method: clinical testing. Allele origin: germline.

Labcorp Genetics (formerly Invitae), Labcorp
Classification: Uncertain significance. Last evaluated: 2025-05-19. Review status: criteria provided, single submitter. Criteria: Invitae Variant Classification Sherloc (09022015). Collection method: clinical testing. Allele origin: germline.
Comment: This sequence change replaces threonine, which is neutral and polar, with serine, which is neutral and polar, at codon 920 of the POLE protein (p.Thr920Ser). This variant is not present in population databases (gnomAD no frequency). This variant has not been reported in the literature in individuals affected with POLE-related conditions. ClinVar contains an entry for this variant (Variation ID: 660220). Invitae Evidence Modeling of protein sequence and biophysical properties (such as structural, functional, and spatial information, amino acid conservation, physicochemical variation, residue mobility, and thermodynamic stability) indicates that this missense variant is not expected to disrupt POLE protein function with a negative predictive value of 80%. RNA analysis performed to evaluate the impact of this missense change on mRNA splicing indicates it does not significantly alter splicing (internal data). In summary, the available evidence is currently insufficient to determine the role of this variant in disease. Therefore, it has been classified as a Variant of Uncertain Significance.